The following is an entry in ClinVar:

ClinVar aggregate classification (germline): Uncertain significance (1 of 4 stars; one submission).

Submission:

Ambry Genetics
Classification: Uncertain significance. Last evaluated: 2024-02-01. Review status: criteria provided, single submitter. Criteria: Ambry Variant Classification Scheme 2023. Collection method: clinical testing. Allele origin: germline.
Comment: The p.Y835F variant (also known as c.2504A>T), located in coding exon 23 of the KIF1B gene, results from an A to T substitution at nucleotide position 2504. The tyrosine at codon 835 is replaced by phenylalanine, an amino acid with highly similar properties. This amino acid position is conserved. In addition, the in silico prediction for this alteration is inconclusive. Based on the available evidence, the clinical significance of this alteration remains unclear.

NM_001365951.3(KIF1B):c.2642A>T (p.Tyr881Phe)

Gene: KIF1B (kinesin family member 1B; plus strand). Cytogenetic location: 1p36.22.
Variant type: single nucleotide variant.
Coding change: c.2642A>T on transcript NM_001365951.3 (MANE Select); coding-DNA position 2642, A replaced by T.
Protein change: p.Tyr881Phe; replaces tyrosine 881 with phenylalanine.
Molecular consequence: missense variant.
Genome position (GRCh38, 1-based): chr1:10,324,862, A>T. VCF-style: chr1-10324862-A-T. GRCh37 (hg19) VCF-style: chr1-10384920-A-T.
Other names: c.2642A>T, p.Tyr881Phe (NM_001365952.1); c.2504A>T, p.Tyr835Phe (NM_015074.3); short protein forms Y835F, Y881F.
Identifiers: ClinVar variation 3226404 (VCV003226404.1), dbSNP rs755850268, ClinGen allele CA338335780.